The following is an entry in ClinVar:

NM_016169.4(SUFU):c.1148T>G (p.Leu383Arg)

Gene: SUFU (SUFU negative regulator of hedgehog signaling; plus strand). Cytogenetic location: 10q24.32.
Variant type: single nucleotide variant.
Coding change: c.1148T>G on transcript NM_016169.4 (MANE Select); coding-DNA position 1148, T replaced by G.
Protein change: p.Leu383Arg; replaces leucine 383 with arginine.
Molecular consequence: missense variant.
Genome position (GRCh38, 1-based): chr10:102,615,393, T>G. VCF-style: chr10-102615393-T-G. GRCh37 (hg19) VCF-style: chr10-104375150-T-G.
Other names: c.1148T>G, p.Leu383Arg (NM_001178133.2); short protein forms L383R.
Identifiers: ClinVar variation 3451138 (VCV003451138.1).

ClinVar aggregate classification (germline): Uncertain significance (1 of 4 stars; one submission).

Conditions:
Hereditary cancer-predisposing syndrome. Also called: Tumor predisposition; Neoplastic Syndromes, Hereditary; Hereditary neoplastic syndrome; Hereditary Cancer Syndrome. Identifiers: Orphanet 140162, MedGen C0027672, MeSH D009386, MONDO:0015356.

Submission:

Ambry Genetics
Classification: Uncertain significance for Hereditary cancer-predisposing syndrome. Last evaluated: 2024-10-01. Review status: criteria provided, single submitter. Criteria: Ambry Variant Classification Scheme 2023. Collection method: clinical testing. Allele origin: germline.
Comment: The p.L383R variant (also known as c.1148T>G), located in coding exon 9 of the SUFU gene, results from a T to G substitution at nucleotide position 1148. The leucine at codon 383 is replaced by arginine, an amino acid with dissimilar properties. This amino acid position is conserved. In addition, this alteration is predicted to be deleterious by in silico analysis. Based on the available evidence, the clinical significance of this variant remains unclear.